The following is an entry in ClinVar:

NM_173076.3(ABCA12):c.6690A>G (p.Thr2230=)

Genes: ABCA12 (ATP binding cassette subfamily A member 12; minus strand), SNHG31 (small nucleolar RNA host gene 31; plus strand). Cytogenetic location: 2q35.
Variant type: single nucleotide variant.
Coding change: c.6690A>G on transcript NM_173076.3 (MANE Select); coding-DNA position 6690, A replaced by G.
Protein change: p.Thr2230=; no amino-acid change (threonine 2230 retained).
Molecular consequence: synonymous variant. On other transcripts: non-coding transcript variant (1).
Genome position (GRCh38, 1-based): chr2:214,951,041, T>C on the plus strand (A>G on the coding strand, the complement: ABCA12 is on the minus strand). VCF-style: chr2-214951041-T-C. GRCh37 (hg19) VCF-style: chr2-215815765-T-C.
Other names: c.6690A>G (NM_173076.2); c.5736A>G, p.Thr1912= (NM_015657.4).
Identifiers: ClinVar variation 2081557 (VCV002081557.6), dbSNP rs111355716, ClinGen allele CA2090843.
Genomic context (GRCh38, chr2:214,951,041, plus strand): 5'-TTCAGCTGCACCACTCTCAACTCTTAATCTCTCAGCCCGCACATCTTCATCCTCATCTAT[T>C]GTCTCCCTTACATGTGAAGAATTAAATTTTCTGAAGAAAAGCCTAAAAATGGACCCAGTG-3'
Protein context (NP_775099.2, residues 2220-2240): RKFNSSHVRE[Thr2230=]IDEDEDVRAE

ClinVar aggregate classification (germline): Benign. Review status: criteria provided, single submitter (1 of 4 stars). 2 submissions from 2 submitters: Benign (1). 1 of the submissions does not count toward it. Last evaluated 2025-12-31.

Conditions:
ABCA12-related disorder. Also called: ABCA12-related condition.

Allele frequency attached by ClinVar (database versions not stated): gnomAD exomes 0.00013; ExAC 0.00037; gnomAD 0.00106; 1000 Genomes Project 30x 0.00109; TOPMed 0.00119; 1000 Genomes Project 0.00140; ESP Exome Variant Server 0.00177.
gnomAD v4.1: 389 of 1,614,130 alleles (0.024%); highest among the groups gnomAD compares: African/African-American, 0.41%; 5 homozygotes.

Submissions (2):

Labcorp Genetics (formerly Invitae), Labcorp
Classification: Benign. Last evaluated: 2025-12-31. Review status: criteria provided, single submitter. Criteria: Invitae Variant Classification Sherloc (09022015). Collection method: clinical testing. Allele origin: germline.

PreventionGenetics, part of Exact Sciences
Classification: Likely benign for ABCA12-related condition. Last evaluated: 2019-03-22. Review status: no assertion criteria provided. Collection method: clinical testing. Allele origin: germline. Not counted in ClinVar's aggregate classification.
Comment: This variant is classified as likely benign based on ACMG/AMP sequence variant interpretation guidelines (Richards et al. 2015 PMID: 25741868, with internal and published modifications).